The following is an entry in ClinVar:

ClinVar aggregate classification (germline): Likely pathogenic (1 of 4 stars; one submission).

Conditions:
Congenital disorder of deglycosylation 2 (CDDG2). Identifiers: MedGen C5676931, MONDO:0030770, OMIM 619775.

Submission:

First Genomix Gene Laboratory, Genetic Diagnostics Department
Classification: Likely pathogenic for Congenital disorder of deglycosylation 2. Last evaluated: 2025-03-18. Review status: criteria provided, single submitter. Criteria: ACMG Guidelines, 2015. Collection method: clinical testing. Allele origin: germline. Inheritance: Autosomal recessive inheritance. Affected: no. Observed: 1 variant allele.

NM_006715.4(MAN2C1):c.76_80del (p.Phe26fs)

Genes: MAN2C1 (mannosidase alpha class 2C member 1; minus strand), LOC112272617 (Sharpr-MPRA regulatory region 58; plus strand). Cytogenetic location: 15q24.2.
Variant type: Deletion.
Coding change: c.76_80del on transcript NM_006715.4 (MANE Select); coding-DNA positions 76 to 80, 5 bases deleted (TTTAC; older notation c.76_80delTTTAC).
Protein change: p.Phe26fs; shifts the reading frame from phenylalanine 26.
Molecular consequence: frameshift variant.
Genome position (GRCh38, 1-based): chr15:75,368,504-75,368,508, GTAAA deleted on the plus strand (TTTAC on the coding strand, the reverse complement: MAN2C1 is on the minus strand); deleting any 5 consecutive bases within chr15:75,368,504-75,368,511 gives the same sequence; the c. name uses the placement nearest the transcript's 3' end. VCF-style (leftmost placement, unchanged base first): chr15-75368503-GGTAAA-G. GRCh37 (hg19) VCF-style: chr15-75660844-GGTAAA-G.
Other names: c.76_80del, p.Phe26fs (NM_001256494.2, NM_001256495.2, NM_001256496.2); c.76_80delTTTAC (NM_006715.4); short protein forms F26fs.
Identifiers: ClinVar variation 4845880 (VCV004845880.1).
Genomic context (GRCh38, chr15:75,368,503, plus strand): 5'-CGGTTGCGGTCGGCCGGCTGCGGGGGACCAGGGGCCACACCTGCCGCGGAGGTTACAGTC[GGTAAA>G]GTAGAGCGGCGACACGAACTTCTCCACCCGCTCCAGCGTGGTGCGCCAGTGCTTCAAGGC-3'